The following is an entry in ClinVar:

ClinVar aggregate classification (germline): Likely benign (1 of 4 stars; one submission).

Allele frequency attached by ClinVar (database versions not stated): gnomAD 0.00003.
gnomAD v4.1: 49 of 1,519,360 alleles (0.0032%); highest among the groups gnomAD compares: Non-Finnish European, 0.004%; no homozygotes.

Submission:

CeGaT Center for Human Genetics Tuebingen
Classification: Likely benign. Last evaluated: 2026-08-01. Review status: criteria provided, single submitter. Criteria: CeGaT Center For Human Genetics Tuebingen Variant Classification Criteria Version 2. Collection method: clinical testing. Allele origin: germline. Affected: yes. Observed: 2 variant alleles.
Comment: ZFHX2: BP4, BP7

NM_033400.3(ZFHX2):c.4227G>A (p.Glu1409=)

Genes: THTPA (thiamine triphosphatase; plus strand), ZFHX2 (zinc finger homeobox 2; minus strand). Cytogenetic location: 14q11.2.
Variant type: single nucleotide variant.
Coding change: c.4227G>A on transcript NM_033400.3 (MANE Select); coding-DNA position 4227, G replaced by A.
Protein change: p.Glu1409=; no amino-acid change (glutamic acid 1409 retained).
Molecular consequence: synonymous variant.
Genome position (GRCh38, 1-based): chr14:23,525,715, C>T on the plus strand (G>A on the coding strand, the complement: ZFHX2 is on the minus strand). VCF-style: chr14-23525715-C-T. GRCh37 (hg19) VCF-style: chr14-23994924-C-T.
Identifiers: ClinVar variation 2644112 (VCV002644112.24), dbSNP rs1033684013, ClinGen allele CA257793813.